The following is an entry in ClinVar:

ClinVar aggregate classification (germline): Uncertain significance (1 of 4 stars; one submission).

Conditions:
MHC class I deficiency. Identifiers: Orphanet 34592, MedGen C6024714, MONDO:0011476.

Allele frequency attached by ClinVar (database versions not stated): 1000 Genomes Project 30x 0.00016.

Submission:

Labcorp Genetics (formerly Invitae), Labcorp
Classification: Uncertain significance for MHC class I deficiency 1. Last evaluated: 2024-10-16. Review status: criteria provided, single submitter. Criteria: Invitae Variant Classification Sherloc (09022015). Collection method: clinical testing. Allele origin: germline.
Comment: This sequence change replaces alanine, which is neutral and non-polar, with valine, which is neutral and non-polar, at codon 72 of the TAPBP protein (p.Ala72Val). This variant is not present in population databases (gnomAD no frequency). This variant has not been reported in the literature in individuals affected with TAPBP-related conditions. ClinVar contains an entry for this variant (Variation ID: 1471215). An algorithm developed to predict the effect of missense changes on protein structure and function (PolyPhen-2) suggests that this variant is likely to be disruptive. In summary, the available evidence is currently insufficient to determine the role of this variant in disease. Therefore, it has been classified as a Variant of Uncertain Significance.

NM_003190.5(TAPBP):c.215C>T (p.Ala72Val)

Gene: TAPBP (TAP binding protein; minus strand). Cytogenetic location: 6p21.32.
Variant type: single nucleotide variant.
Coding change: c.215C>T on transcript NM_003190.5 (MANE Select); coding-DNA position 215, C replaced by T.
Protein change: p.Ala72Val; replaces alanine 72 with valine.
Molecular consequence: missense variant. On other transcripts: intron variant (1).
Genome position (GRCh38, 1-based): chr6:33,313,471, G>A on the plus strand (C>T on the coding strand, the complement: TAPBP is on the minus strand). VCF-style: chr6-33313471-G-A. GRCh37 (hg19) VCF-style: chr6-33281248-G-A.
Other names: c.215C>T, p.Ala72Val (NM_172208.3); c.208+223C>T (NM_172209.3); short protein forms A72V.
Identifiers: ClinVar variation 1471215 (VCV001471215.8), dbSNP rs2150975029, ClinGen allele CA363621624.